The following is an entry in ClinVar:

NM_001374828.1(ARID1B):c.1638_1647dup (p.Gln550fs)

Gene: ARID1B (AT-rich interaction domain 1B; plus strand). Cytogenetic location: 6q25.3.
Variant type: Duplication.
Coding change: c.1638_1647dup on transcript NM_001374828.1 (MANE Select); coding-DNA positions 1638 to 1647, 10 bases duplicated (GGCGGGCGGC; older notation c.1638_1647dupGGCGGGCGGC).
Protein change: p.Gln550fs; shifts the reading frame from glutamine 550.
Molecular consequence: frameshift variant.
Genome position (GRCh38, 1-based): chr6:156,779,318-156,779,327, GGCGGGCGGC duplicated; duplicating any 10 consecutive bases within chr6:156,779,311-156,779,327 gives the same sequence; the c. name uses the placement nearest the transcript's 3' end. VCF-style (leftmost placement, unchanged base first): chr6-156779310-G-GGGGCGGCGGC. GRCh37 (hg19) VCF-style: chr6-157100444-G-GGGGCGGCGGC.
Other names: c.1389_1398dupGGCGGGCGGC (NM_020732.3); c.1638_1647dup, p.Gln550fs (NM_001371656.1, NM_001374820.1, NM_017519.3); c.1389_1398dup (NM_020732.3); short protein forms Q550fs.
Identifiers: ClinVar variation 429355 (VCV000429355.3), dbSNP rs1131691339, ClinGen allele CA645369396.

ClinVar aggregate classification (germline): Pathogenic (1 of 4 stars; one submission).

Submission:

GeneDx
Classification: Pathogenic. Last evaluated: 2024-11-02. Review status: criteria provided, single submitter. Criteria: GeneDx Variant Classification Process June 2021. Collection method: clinical testing. Allele origin: germline. Affected: yes.
Comment: Frameshift variant predicted to result in protein truncation or nonsense mediated decay in a gene for which loss of function is a known mechanism of disease; Not observed at significant frequency in large population cohorts (gnomAD); This variant is associated with the following publications: (PMID: 33057194, 35982159, 37500730, 37088138)